The following is an entry in ClinVar:

NM_001040108.2(MLH3):c.3970A>C (p.Thr1324Pro)

Gene: MLH3 (mutL homolog 3; minus strand). Cytogenetic location: 14q24.3.
Variant type: single nucleotide variant.
Coding change: c.3970A>C on transcript NM_001040108.2 (MANE Select); coding-DNA position 3970, A replaced by C.
Protein change: p.Thr1324Pro; replaces threonine 1324 with proline.
Molecular consequence: missense variant.
Genome position (GRCh38, 1-based): chr14:75,030,560, T>G on the plus strand (A>C on the coding strand, the complement: MLH3 is on the minus strand). VCF-style: chr14-75030560-T-G. GRCh37 (hg19) VCF-style: chr14-75497263-T-G.
Other names: c.3898A>C, p.Thr1300Pro (NM_014381.3); short protein forms T1300P, T1324P.
Identifiers: ClinVar variation 2497089 (VCV002497089.4), dbSNP rs2503116554, ClinGen allele CA390422472.
Genomic context (GRCh38, chr14:75,030,560, plus strand): 5'-CCATCACTCAGCAATTTCCTTAACATCTGCAGCTGTGTCTTACCTCCACAATACTCTTGG[T>G]CACAGTAGATCTTCCTCTCCGAAGTTCATTGGCTTCTCTTTCCACAAAACATAGTGGTAC-3'
Protein context (NP_001035197.1, residues 1314-1334): NELRRGRSTV[Thr1324Pro]KSIVEEFIRE

ClinVar aggregate classification (germline): Uncertain significance. Review status: criteria provided, multiple submitters, no conflicts (2 of 4 stars). 2 submissions from 2 submitters: Uncertain significance (2). Last evaluated 2025-04-13.

Conditions:
Colorectal cancer, hereditary nonpolyposis, type 7. Identifiers: Orphanet 144, MedGen C1858380, MONDO:0013725, OMIM 614385.

Submissions (2):

Labcorp Genetics (formerly Invitae), Labcorp
Classification: Uncertain significance for Colorectal cancer, hereditary nonpolyposis, type 7. Last evaluated: 2025-04-13. Review status: criteria provided, single submitter. Criteria: Invitae Variant Classification Sherloc (09022015). Collection method: clinical testing. Allele origin: germline.
Comment: This sequence change replaces threonine, which is neutral and polar, with proline, which is neutral and non-polar, at codon 1324 of the MLH3 protein (p.Thr1324Pro). This variant is not present in population databases (gnomAD no frequency). This variant has not been reported in the literature in individuals affected with MLH3-related conditions. ClinVar contains an entry for this variant (Variation ID: 2497089). An algorithm developed to predict the effect of missense changes on protein structure and function (PolyPhen-2) suggests that this variant is likely to be disruptive. In summary, the available evidence is currently insufficient to determine the role of this variant in disease. Therefore, it has been classified as a Variant of Uncertain Significance.

Ambry Genetics
Classification: Uncertain significance. Last evaluated: 2025-02-27. Review status: criteria provided, single submitter. Criteria: Ambry Variant Classification Scheme 2023. Collection method: clinical testing. Allele origin: germline.
Comment: The p.T1324P variant (also known as c.3970A>C), located in coding exon 8 of the MLH3 gene, results from an A to C substitution at nucleotide position 3970. The threonine at codon 1324 is replaced by proline, an amino acid with highly similar properties. This amino acid position is conserved. In addition, the in silico prediction for this alteration is inconclusive. Since supporting evidence is limited at this time, the clinical significance of this alteration remains unclear.